The following is an entry in ClinVar:

ClinVar aggregate classification (germline): Likely benign. Review status: criteria provided, multiple submitters, no conflicts (2 of 4 stars). 2 submissions from 2 submitters: Likely benign (2). Last evaluated 2026-01-01.

gnomAD v4.1: 22 of 1,203,534 alleles (0.0018%); highest among the groups gnomAD compares: Admixed American, 0.029%; no homozygotes.

Submissions (2):

CeGaT Center for Human Genetics Tuebingen
Classification: Likely benign. Last evaluated: 2026-01-01. Review status: criteria provided, single submitter. Criteria: CeGaT Center For Human Genetics Tuebingen Variant Classification Criteria Version 2. Collection method: clinical testing. Allele origin: germline. Affected: yes. Observed: 1 variant allele.
Comment: FTSJ1: BP4, BP7, BS2

Blueprint Genetics
Classification: Likely benign. Last evaluated: 2024-11-17. Review status: criteria provided, single submitter. Criteria: ACMG Guidelines, 2015. Collection method: clinical testing. Allele origin: germline.

NM_012280.4(FTSJ1):c.837G>A (p.Thr279=)

Gene: FTSJ1 (FtsJ RNA 2'-O-methyltransferase 1; plus strand). Cytogenetic location: Xp11.23.
Variant type: single nucleotide variant.
Coding change: c.837G>A on transcript NM_012280.4 (MANE Select); coding-DNA position 837, G replaced by A.
Protein change: p.Thr279=; no amino-acid change (threonine 279 retained).
Molecular consequence: synonymous variant.
Genome position (GRCh38, 1-based): chrX:48,482,674, G>A. VCF-style: chrX-48482674-G-A. GRCh37 (hg19) VCF-style: chrX-48341062-G-A.
Other names: c.426G>A, p.Thr142= (NM_001282157.2); c.837G>A, p.Thr279= (NM_001441195.1, NM_001441197.1, NM_001441198.1); c.831G>A, p.Thr277= (NM_001441196.1, NM_001441199.1, NM_001441200.1 and 1 more transcripts).
Identifiers: ClinVar variation 4821888 (VCV004821888.5).
Genomic context (GRCh38, chrX:48,482,674, plus strand): 5'-GTACAAGTACACTCCACCCACACAGCCCCCCATCTCGCCACCATACCAGGAGGCCTGCAC[G>A]TTGAAGAGGAAGGGGCAGCTGGCCAAGGAGATCCGCCCCCAGGACTGCCCCATCAGCAGA-3'
Protein context (NP_036412.1, residues 269-289): PISPPYQEAC[Thr279=]LKRKGQLAKE